The following is an entry in ClinVar:

NM_000051.4(ATM):c.8850+3A>G

Genes: ATM (ATM serine/threonine kinase; plus strand), C11orf65 (chromosome 11 open reading frame 65; minus strand). Cytogenetic location: 11q22.3.
Variant type: single nucleotide variant.
Coding change: c.8850+3A>G on transcript NM_000051.4 (MANE Select); 3 bases into the intron after coding-DNA position 8850, A replaced by G.
Molecular consequence: intron variant.
Genome position (GRCh38, 1-based): chr11:108,354,877, A>G. VCF-style: chr11-108354877-A-G. GRCh37 (hg19) VCF-style: chr11-108225604-A-G.
Other names: c.8850+3A>G (NM_001351834.2); c.640+31043T>C (NM_001330368.2); c.695-19585T>C (NM_001351110.2).
Identifiers: ClinVar variation 822777 (VCV000822777.11), dbSNP rs769427492, ClinGen allele CA6266461.

ClinVar aggregate classification (germline): Uncertain significance. Review status: criteria provided, multiple submitters, no conflicts (2 of 4 stars). 2 submissions from 2 submitters: Uncertain significance (2). Last evaluated 2026-01-20.

Conditions:
Hereditary cancer-predisposing syndrome. Also called: Tumor predisposition; Neoplastic Syndromes, Hereditary; Hereditary Cancer Syndrome; Hereditary neoplastic syndrome. Identifiers: Orphanet 140162, MedGen C0027672, MeSH D009386, MONDO:0015356.
Ataxia-telangiectasia syndrome (AT). Also called: ATAXIA-TELANGIECTASIA, COMPLEMENTATION GROUP A; ATAXIA-TELANGIECTASIA, FRESNO VARIANT; Ataxia-telangiectasia; Ataxia-telangiectasia, complementation group D; AT, COMPLEMENTATION GROUP C; Ataxia-telangiectasia, complementation group E. Identifiers: Orphanet 100, MedGen C0004135, MONDO:0008840, OMIM 208900.

Allele frequency attached by ClinVar (database versions not stated): ExAC 0.00004; gnomAD exomes below 0.00001 and 0.00002; gnomAD 0.00001.
gnomAD v4.1: 9 of 1,610,124 alleles (0.00056%); highest among the groups gnomAD compares: African/African-American, 0.0013%; no homozygotes.

Submissions (2):

Labcorp Genetics (formerly Invitae), Labcorp
Classification: Uncertain significance for Ataxia-telangiectasia syndrome. Last evaluated: 2026-01-20. Review status: criteria provided, single submitter. Criteria: Invitae Variant Classification Sherloc (09022015). Collection method: clinical testing. Allele origin: germline.
Comment: This sequence change falls in intron 61 of the ATM gene. It does not directly change the encoded amino acid sequence of the ATM protein. It affects a nucleotide within the consensus splice site. This variant is present in population databases (rs769427492, gnomAD 0.004%). This variant has not been reported in the literature in individuals affected with ATM-related conditions. ClinVar contains an entry for this variant (Variation ID: 822777). Variants that disrupt the consensus splice site are a relatively common cause of aberrant splicing (PMID: 17576681, 9536098). Algorithms developed to predict the effect of sequence changes on RNA splicing suggest that this variant may disrupt the consensus splice site. In summary, the available evidence is currently insufficient to determine the role of this variant in disease. Therefore, it has been classified as a Variant of Uncertain Significance.

Ambry Genetics
Classification: Uncertain significance for Hereditary cancer-predisposing syndrome. Last evaluated: 2025-05-29. Review status: criteria provided, single submitter. Criteria: Ambry Variant Classification Scheme 2023. Collection method: clinical testing. Allele origin: germline.
Comment: The c.8850+3A>G intronic variant results from an A to G substitution 3 nucleotides after coding exon 60 in the ATM gene. This nucleotide position is highly conserved in available vertebrate species. In silico splice site analysis predicts that this alteration will weaken the native splice donor site. Based on the available evidence, the clinical significance of this variant remains unclear.

Literature cited by the submitters: PubMed 17576681 (cited by Labcorp Genetics (formerly Invitae), Labcorp); PubMed 9536098 (cited by Labcorp Genetics (formerly Invitae), Labcorp).